The following is an entry in ClinVar:

NM_000051.4(ATM):c.5357_5358dup (p.Glu1787fs)

Gene: ATM (ATM serine/threonine kinase; plus strand). Cytogenetic location: 11q22.3.
Variant type: Duplication.
Coding change: c.5357_5358dup on transcript NM_000051.4 (MANE Select); coding-DNA positions 5357 to 5358, 2 bases duplicated (TT; older notation c.5357_5358dupTT).
Protein change: p.Glu1787fs; shifts the reading frame from glutamic acid 1787.
Molecular consequence: frameshift variant.
Genome position (GRCh38, 1-based): chr11:108,302,890-108,302,891, TT duplicated; duplicating any 2 consecutive bases within chr11:108,302,888-108,302,891 gives the same sequence; the c. name uses the placement nearest the transcript's 3' end. VCF-style (leftmost placement, unchanged base first): chr11-108302887-C-CTT. GRCh37 (hg19) VCF-style: chr11-108173614-C-CTT.
Other names: c.5357_5358dup, p.Glu1787fs (NM_001351834.2); short protein forms E1787fs.
Identifiers: ClinVar variation 2843527 (VCV002843527.3), dbSNP rs2546979203, ClinGen allele CA2739270915.
Genomic context (GRCh38, chr11:108,302,887, plus strand): 5'-ACATTTTCTAATCCCTTTCTTTCTAGTTTTTAGAAGTACCCAGATTTGACAAAGAAAACC[C>CTT]TTTTGAAGGCCTGGATGATATAAATCTGTGGATTCCTCTAAGTGAAAATCATGACATTTG-3'

ClinVar aggregate classification (germline): Pathogenic (1 of 4 stars; one submission).

Conditions:
Ataxia-telangiectasia syndrome (AT). Also called: Cerebello-oculocutaneous telangiectasia; Immunodeficiency with ataxia telangiectasia; Ataxia-telangiectasia, complementation group E; Ataxia-telangiectasia, complementation group D; LOUIS-BAR SYNDROME; AT, COMPLEMENTATION GROUP C. Identifiers: Orphanet 100, MedGen C0004135, MONDO:0008840, OMIM 208900.

Submission:

Labcorp Genetics (formerly Invitae), Labcorp
Classification: Pathogenic for Ataxia-telangiectasia syndrome. Last evaluated: 2023-03-07. Review status: criteria provided, single submitter. Criteria: Invitae Variant Classification Sherloc (09022015). Collection method: clinical testing. Allele origin: germline.
Comment: For these reasons, this variant has been classified as Pathogenic. This variant has not been reported in the literature in individuals affected with ATM-related conditions. This variant is not present in population databases (gnomAD no frequency). This sequence change creates a premature translational stop signal (p.Glu1787Leufs*7) in the ATM gene. It is expected to result in an absent or disrupted protein product. Loss-of-function variants in ATM are known to be pathogenic (PMID: 23807571, 25614872).

Literature cited by the submitters: PubMed 23807571; PubMed 25614872.